The following is an entry in ClinVar:

ClinVar aggregate classification (germline): Pathogenic (1 of 4 stars; one submission).

Submission:

GeneDx
Classification: Pathogenic. Last evaluated: 2014-01-03. Review status: criteria provided, single submitter. Criteria: GeneDx Variant Classification (06012015). Collection method: clinical testing. Allele origin: germline. Affected: yes.
Comment: Although the c.4283delA pathogenic variant in the COL5A1 gene has not been reported to our knowledge, this mutation causes a shift in reading frame starting at codon Glutamine 1428, changing it to an Arginine, and creating a premature stop codon at position 60 of the new reading frame, denoted p.Gln1428ArgfsX60. This varaint is expected to result in either an abnormal, truncated protein product or loss of protein from this allele through nonsense-mediated mRNA decay. Numerous other frameshift mutations in the COL5A1 gene have been reported in association with classic-type EDS (Malfait F et al., 2011). In summary, c.4283delA in the COL5A1 gene is interpreted as a pathogenic variant.

NM_000093.5(COL5A1):c.4283del (p.Gln1428fs)

Gene: COL5A1 (collagen type V alpha 1 chain; plus strand). Cytogenetic location: 9q34.3.
Variant type: Deletion.
Coding change: c.4283del on transcript NM_000093.5 (MANE Select); coding-DNA position 4283, one base deleted (A; older notation c.4283delA).
Protein change: p.Gln1428fs; shifts the reading frame from glutamine 1428.
Molecular consequence: frameshift variant.
Genome position (GRCh38, 1-based): chr9:134,818,708, A deleted. VCF-style (leftmost placement, unchanged base first): chr9-134818707-CA-C. GRCh37 (hg19) VCF-style: chr9-137710553-CA-C.
Other names: c.4283del, p.Gln1428fs (NM_001278074.1); short protein forms Q1428fs.
Identifiers: ClinVar variation 213034 (VCV000213034.2), dbSNP rs863223474, ClinGen allele CA321152.